The following is an entry in ClinVar:

ClinVar aggregate classification (germline): Pathogenic (1 of 4 stars; one submission).

Conditions:
Meckel-Gruber syndrome. Also called: Dysencephalia splachnocystica; DYSENCEPHALIA SPLANCHNOCYSTICA; GRUBER SYNDROME. Identifiers: Orphanet 564, MedGen C0265215, MONDO:0018921.
Joubert syndrome. Also called: Familial aplasia of the vermis; CEREBELLOPARENCHYMAL DISORDER IV; JOUBERT-BOLTSHAUSER SYNDROME. Identifiers: Orphanet 475, MedGen C5979921, MONDO:0018772.

Submission:

Labcorp Genetics (formerly Invitae), Labcorp
Classification: Pathogenic for Joubert syndrome; Meckel-Gruber syndrome. Last evaluated: 2018-10-01. Review status: criteria provided, single submitter. Criteria: Invitae Variant Classification Sherloc (09022015). Collection method: clinical testing. Allele origin: germline.
Comment: For these reasons, this variant has been classified as Pathogenic. Loss-of-function variants in RPGRIP1L are known to be pathogenic (PMID: 17558409). Algorithms developed to predict the effect of sequence changes on RNA splicing suggest that this variant may create or strengthen a splice site, but this prediction has not been confirmed by published transcriptional studies. This variant has not been reported in the literature in individuals with RPGRIP1L-related disease. This variant is not present in population databases (ExAC no frequency). This sequence change creates a premature translational stop signal (p.Gln316*) in the RPGRIP1L gene. It is expected to result in an absent or disrupted protein product.

Literature cited by the submitters: PubMed 17558409.

NM_015272.5(RPGRIP1L):c.946C>T (p.Gln316Ter)

Gene: RPGRIP1L (RPGRIP1 like; minus strand). Cytogenetic location: 16q12.2.
Variant type: single nucleotide variant.
Coding change: c.946C>T on transcript NM_015272.5 (MANE Select); coding-DNA position 946, C replaced by T.
Protein change: p.Gln316Ter; replaces glutamine 316 with a stop codon.
Molecular consequence: nonsense.
Genome position (GRCh38, 1-based): chr16:53,672,953, G>A on the plus strand (C>T on the coding strand, the complement: RPGRIP1L is on the minus strand). VCF-style: chr16-53672953-G-A. GRCh37 (hg19) VCF-style: chr16-53706865-G-A.
Other names: c.946C>T, p.Gln316Ter (NM_001127897.4, NM_001308334.3, NM_001330538.2); short protein forms Q316*.
Identifiers: ClinVar variation 640512 (VCV000640512.7), dbSNP rs1598375579, ClinGen allele CA395922914.
Genomic context (GRCh38, chr16:53,672,953, plus strand): 5'-ACTTCATAGAATGTAATTGTTTCTCAAGACTGCAGCATTTTAAACGCTGCTCTTTAAGTT[G>A]CATGTTTAATTCATCCCCATTTGCCATCAAAGCATCGTGGCTGATTCTGAGAGTTCTTTG-3'